The following is an entry in ClinVar:

ClinVar aggregate classification (germline): Likely benign (0 of 4 stars; one submission).

Conditions:
NEB-related disorder. Also called: NEB-Related Disorders; NEB-related condition.

Submission:

PreventionGenetics, part of Exact Sciences
Classification: Likely benign for NEB-related condition. Last evaluated: 2020-09-01. Review status: no assertion criteria provided. Collection method: clinical testing. Allele origin: germline.
Comment: This variant is classified as likely benign based on ACMG/AMP sequence variant interpretation guidelines (Richards et al. 2015 PMID: 25741868, with internal and published modifications).

NM_001164508.2(NEB):c.24115-143_24115-140del

Genes: NEB (nebulin; minus strand), RIF1 (replication timing regulatory factor 1; plus strand). Cytogenetic location: 2q23.3.
Variant type: Microsatellite.
Coding change: c.24115-143_24115-140del on transcript NM_001164508.2 (MANE Select); 143 bases into the intron before coding-DNA position 24115 through 140 bases into the intron before coding-DNA position 24115, 4 bases deleted (AACA; older notation c.24115-143_24115-140delAACA).
Molecular consequence: intron variant.
Genome position (GRCh38, 1-based): chr2:151,498,492-151,498,495, TGTT deleted on the plus strand (AACA on the coding strand, the reverse complement: NEB is on the minus strand); deleting any 4 consecutive bases within chr2:151,498,492-151,498,501 gives the same sequence; the c. name uses the placement nearest the transcript's 3' end. VCF-style (leftmost placement, unchanged base first): chr2-151498491-CTGTT-C. GRCh37 (hg19) VCF-style: chr2-152355005-CTGTT-C.
Other names: c.18826-2127_18826-2124del (NM_004543.5); c.24115-143_24115-140del (NM_001164507.2); c.24220-143_24220-140del (NM_001271208.2).
Identifiers: ClinVar variation 3047730 (VCV003047730.2), dbSNP rs967938602, ClinGen allele CA57669566.